The following is an entry in ClinVar:

ClinVar aggregate classification (germline): Uncertain significance (1 of 4 stars; one submission).

Allele frequency attached by ClinVar (database versions not stated): TOPMed 0.00001; ExAC 0.00002; gnomAD exomes 0.00002.

Submission:

Labcorp Genetics (formerly Invitae), Labcorp
Classification: Uncertain significance. Last evaluated: 2024-10-22. Review status: criteria provided, single submitter. Criteria: Invitae Variant Classification Sherloc (09022015). Collection method: clinical testing. Allele origin: germline.
Comment: This sequence change replaces arginine, which is basic and polar, with glutamine, which is neutral and polar, at codon 119 of the SNIP1 protein (p.Arg119Gln). This variant is present in population databases (rs756047349, gnomAD 0.007%). This variant has not been reported in the literature in individuals affected with SNIP1-related conditions. ClinVar contains an entry for this variant (Variation ID: 1357357). Invitae Evidence Modeling of protein sequence and biophysical properties (such as structural, functional, and spatial information, amino acid conservation, physicochemical variation, residue mobility, and thermodynamic stability) indicates that this missense variant is not expected to disrupt SNIP1 protein function with a negative predictive value of 80%. In summary, the available evidence is currently insufficient to determine the role of this variant in disease. Therefore, it has been classified as a Variant of Uncertain Significance.

NM_024700.4(SNIP1):c.356G>A (p.Arg119Gln)

Genes: SNIP1 (Smad nuclear interacting protein 1; minus strand), LOC126805704 (BRD4-independent group 4 enhancer GRCh37_chr1:38005292-38006491; plus strand). Cytogenetic location: 1p34.3.
Variant type: single nucleotide variant.
Coding change: c.356G>A on transcript NM_024700.4 (MANE Select); coding-DNA position 356, G replaced by A.
Protein change: p.Arg119Gln; replaces arginine 119 with glutamine.
Molecular consequence: missense variant.
Genome position (GRCh38, 1-based): chr1:37,540,727, C>T on the plus strand (G>A on the coding strand, the complement: SNIP1 is on the minus strand). VCF-style: chr1-37540727-C-T. GRCh37 (hg19) VCF-style: chr1-38006328-C-T.
Other names: short protein forms R119Q.
Identifiers: ClinVar variation 1357357 (VCV001357357.6), dbSNP rs756047349, ClinGen allele CA771348.
Genomic context (GRCh38, chr1:37,540,727, plus strand): 5'-TCACTGTTCCTAGCTCTCCTGTGTTCCTGTTCTGATGGTTCCCTGTGCTGCCGATCCTCC[C>T]GTCCTCTCCGGGGATGATCCTCACGCTCCTAAAATTCAAACAGATTCTGTAATTTAAACG-3'
Protein context (NP_078976.2, residues 109-129): QEREDHPRRG[Arg119Gln]EDRQHREPSE